The following is an entry in ClinVar:

ClinVar aggregate classification (germline): Likely benign. Review status: criteria provided, multiple submitters, no conflicts (2 of 4 stars). 7 submissions from 7 submitters: Likely benign (6). 1 of the submissions does not count toward it. Last evaluated 2025-12-21.

Conditions:
Familial hypercholesterolemia. Also called: Familial hypercholesterolaemia; Familial hypercholesterolemias. Identifiers: MedGen C0020445, MONDO:0005439.
Cardiovascular phenotype. Identifiers: MedGen CN230736.
Hypercholesterolemia, autosomal dominant, 3 (FHCL3). Also called: PCSK9-Related Familial Hypercholesterolemia, Autosomal Dominant; Familial Hypercholesterolemia, Autosomal Dominant, 3; Familial hypercholesterolemia 3. Identifiers: MedGen C1863551, MONDO:0011369, OMIM 603776.
PCSK9-related disorder. Also called: PCSK9-related disorders; PCSK9-related condition.

Allele frequency attached by ClinVar (database versions not stated): gnomAD exomes below 0.00001 and 0.00001; gnomAD 0.00001; TOPMed 0.00001.
gnomAD v4.1: 13 of 1,554,608 alleles (0.00084%); highest among the groups gnomAD compares: East Asian, 0.0047%; no homozygotes.

Submissions (7):

Labcorp Genetics (formerly Invitae), Labcorp
Classification: Likely benign for Hypercholesterolemia, autosomal dominant, 3. Last evaluated: 2025-12-21. Review status: criteria provided, single submitter. Criteria: Invitae Variant Classification Sherloc (09022015). Collection method: clinical testing. Allele origin: germline.

Women's Health and Genetics/Laboratory Corporation of America, LabCorp
Classification: Likely benign. Last evaluated: 2025-12-11. Review status: criteria provided, single submitter. Criteria: LabCorp Variant Classification Summary - May 2015. Collection method: clinical testing. Allele origin: germline.

All of Us Research Program, National Institutes of Health
Classification: Likely benign for Hypercholesterolemia, autosomal dominant, 3. Last evaluated: 2023-11-20. Review status: criteria provided, single submitter. Criteria: ACMG Guidelines, 2015. Collection method: clinical testing. Allele origin: germline. Inheritance: Autosomal dominant inheritance. Observed: 6 variant alleles, 6 heterozygotes.
Comment: This study involves interpretation of variants in research participants for the purpose of population health screening. Participant phenotype was not available at the time of variant classification. Additional details can be found in publication PMID: 35346344, PMCID: PMC8962531

Blueprint Genetics
Classification: Likely benign. Last evaluated: 2023-07-18. Review status: criteria provided, single submitter. Criteria: ACMG Guidelines, 2015. Collection method: clinical testing. Allele origin: germline.

Ambry Genetics
Classification: Likely benign for Cardiovascular phenotype. Last evaluated: 2021-04-28. Review status: criteria provided, single submitter. Criteria: Ambry Variant Classification Scheme 2023. Collection method: clinical testing. Allele origin: germline.

Color Diagnostics, LLC DBA Color Health
Classification: Likely benign for Familial hypercholesterolemias. Last evaluated: 2017-08-03. Review status: criteria provided, single submitter. Criteria: ACMG Guidelines, 2015. Collection method: clinical testing. Allele origin: germline.

PreventionGenetics, part of Exact Sciences
Classification: Likely benign for PCSK9-related condition. Last evaluated: 2019-02-22. Review status: no assertion criteria provided. Collection method: clinical testing. Allele origin: germline. Not counted in ClinVar's aggregate classification.
Comment: This variant is classified as likely benign based on ACMG/AMP sequence variant interpretation guidelines (Richards et al. 2015 PMID: 25741868, with internal and published modifications).

NM_174936.4(PCSK9):c.66C>T (p.Leu22=)

Gene: PCSK9 (proprotein convertase subtilisin/kexin type 9; plus strand). Cytogenetic location: 1p32.3.
Variant type: single nucleotide variant.
Coding change: c.66C>T on transcript NM_174936.4 (MANE Select); coding-DNA position 66, C replaced by T.
Protein change: p.Leu22=; no amino-acid change (leucine 22 retained).
Molecular consequence: synonymous variant.
Genome position (GRCh38, 1-based): chr1:55,039,903, C>T. VCF-style: chr1-55039903-C-T. GRCh37 (hg19) VCF-style: chr1-55505576-C-T.
Identifiers: ClinVar variation 630623 (VCV000630623.17), dbSNP rs926463199, ClinGen allele CA22791936.